The following is an entry in ClinVar:

ClinVar aggregate classification (germline): Uncertain significance (1 of 4 stars; one submission).

Conditions:
Immunodeficiency 14 (IMD14A). Also called: IMMUNODEFICIENCY 14A WITH LYMPHOPROLIFERATION, AUTOSOMAL DOMINANT; p110-DELTA-ACTIVATING MUTATION CAUSING SENESCENT T CELLS, LYMPHADENOPATHY, AND IMMUNODEFICIENCY; ACTIVATED PI3K-DELTA SYNDROME 1; Activated PI3K Delta Syndrome Type 1 (APDS1). Identifiers: Orphanet 397596, Orphanet 693661, MedGen C5907821, MONDO:0014222, OMIM 615513.

gnomAD v4.1: 20 of 1,613,738 alleles (0.0012%); highest among the groups gnomAD compares: Non-Finnish European, 0.0017%; no homozygotes.

Submission:

Labcorp Genetics (formerly Invitae), Labcorp
Classification: Uncertain significance for Activated PI3K-delta syndrome. Last evaluated: 2025-06-24. Review status: criteria provided, single submitter. Criteria: Invitae Variant Classification Sherloc (09022015). Collection method: clinical testing. Allele origin: germline.
Comment: This sequence change replaces phenylalanine, which is neutral and non-polar, with leucine, which is neutral and non-polar, at codon 698 of the PIK3CD protein (p.Phe698Leu). This variant is present in population databases (rs370548772, gnomAD 0.0009%). This variant has not been reported in the literature in individuals affected with PIK3CD-related conditions. ClinVar contains an entry for this variant (Variation ID: 3720289). Invitae Evidence Modeling of protein sequence and biophysical properties (such as structural, functional, and spatial information, amino acid conservation, physicochemical variation, residue mobility, and thermodynamic stability) indicates that this missense variant is not expected to disrupt PIK3CD protein function with a negative predictive value of 80%. In summary, the available evidence is currently insufficient to determine the role of this variant in disease. Therefore, it has been classified as a Variant of Uncertain Significance.

NM_005026.5(PIK3CD):c.2094C>G (p.Phe698Leu)

Gene: PIK3CD (phosphatidylinositol-4,5-bisphosphate 3-kinase catalytic subunit delta; plus strand). Cytogenetic location: 1p36.22.
Variant type: single nucleotide variant.
Coding change: c.2094C>G on transcript NM_005026.5 (MANE Select); coding-DNA position 2094, C replaced by G.
Protein change: p.Phe698Leu; replaces phenylalanine 698 with leucine.
Molecular consequence: missense variant.
Genome position (GRCh38, 1-based): chr1:9,722,013, C>G. VCF-style: chr1-9722013-C-G. GRCh37 (hg19) VCF-style: chr1-9782071-C-G.
Other names: c.2091C>G, p.Phe697Leu (NM_001350234.2); c.2007C>G, p.Phe669Leu (NM_001350235.1); short protein forms F669L, F697L, F698L.
Identifiers: ClinVar variation 3720289 (VCV003720289.2).